The following is an entry in ClinVar:

NM_007118.4(TRIO):c.6880_6903del (p.Gly2294_Gly2301del)

Gene: TRIO (trio Rho guanine nucleotide exchange factor; plus strand). Cytogenetic location: 5p15.2.
Variant type: Deletion.
Coding change: c.6880_6903del on transcript NM_007118.4 (MANE Select); coding-DNA positions 6880 to 6903, 24 bases deleted (GGCGGCGGCGGCGGCAGCGGGGGC).
Protein change: p.Gly2294_Gly2301del.
Molecular consequence: inframe deletion. On other transcripts: non-coding transcript variant (1).
Genome position (GRCh38, 1-based): chr5:14,487,508-14,487,531, GGCGGCGGCGGCGGCAGCGGGGGC deleted; deleting any 24 consecutive bases within chr5:14,487,498-14,487,531 gives the same sequence; the c. name uses the placement nearest the transcript's 3' end. VCF-style (leftmost placement, unchanged base first): chr5-14487497-ACAGCGGGGGCGGCGGCGGCGGCGG-A. GRCh37 (hg19) VCF-style: chr5-14487606-ACAGCGGGGGCGGCGGCGGCGGCGG-A.
Identifiers: ClinVar variation 2411152 (VCV002411152.2), dbSNP rs1175627957, ClinGen allele CA805089473.

ClinVar aggregate classification (germline): Uncertain significance (1 of 4 stars; one submission).

Conditions:
Inborn genetic diseases. Identifiers: MedGen C0950123, MeSH D030342.

Submission:

Ambry Genetics
Classification: Uncertain significance for Inborn genetic diseases. Last evaluated: 2020-09-23. Review status: criteria provided, single submitter. Criteria: Ambry Variant Classification Scheme 2023. Collection method: clinical testing. Allele origin: germline.
Comment: The c.6880_6903del24 (p.G2294_G2301del) alteration is located in exon 48 (coding exon 48) of the TRIO gene. This alteration consists of an in-frame deletion of 24 nucleotides between nucleotide positions c.6880 and c.6903, resulting in the deletion of <NA> residues. Based on data from the Genome Aggregation Database (gnomAD), the TRIO c.6880_6903del24 alteration was not observed, with coverage at this position. These amino acid positions are well conserved in available vertebrate species. Based on insufficient or conflicting evidence, the clinical significance of this alteration remains unclear.